The following is an entry in ClinVar:

ClinVar aggregate classification (germline): Conflicting classifications of pathogenicity. Review status: criteria provided, conflicting classifications (1 of 4 stars). 3 submissions from 3 submitters: Uncertain significance (2); Likely benign (1). Last evaluated 2023-01-25.

Conditions:
Occipital pachygyria and polymicrogyria. Identifiers: Orphanet 280640, MedGen C3279875, MONDO:0013583, OMIM 614115.
Inborn genetic diseases. Identifiers: MedGen C0950123, MeSH D030342.

Allele frequency attached by ClinVar (database versions not stated): ExAC 0.00005; gnomAD 0.00007 and 0.00008; gnomAD exomes 0.00008 and 0.00011; TOPMed 0.00010; ESP Exome Variant Server 0.00015.
gnomAD v4.1: 182 of 1,613,998 alleles (0.011%); highest among the groups gnomAD compares: African/African-American, 0.015%; no homozygotes.

Submissions (3):

Ambry Genetics
Classification: Likely benign for Inborn genetic diseases. Last evaluated: 2023-01-25. Review status: criteria provided, single submitter. Criteria: Ambry Variant Classification Scheme 2023. Collection method: clinical testing. Allele origin: germline.

Labcorp Genetics (formerly Invitae), Labcorp
Classification: Uncertain significance. Last evaluated: 2022-07-29. Review status: criteria provided, single submitter. Criteria: Invitae Variant Classification Sherloc (09022015). Collection method: clinical testing. Allele origin: germline.
Comment: This sequence change replaces valine, which is neutral and non-polar, with isoleucine, which is neutral and non-polar, at codon 1365 of the LAMC3 protein (p.Val1365Ile). This variant is present in population databases (rs148481163, gnomAD 0.02%). This variant has not been reported in the literature in individuals affected with LAMC3-related conditions. ClinVar contains an entry for this variant (Variation ID: 1371107). Algorithms developed to predict the effect of missense changes on protein structure and function output the following: SIFT: "Tolerated"; PolyPhen-2: "Benign"; Align-GVGD: "Class C0". The isoleucine amino acid residue is found in multiple mammalian species, which suggests that this missense change does not adversely affect protein function. In summary, the available evidence is currently insufficient to determine the role of this variant in disease. Therefore, it has been classified as a Variant of Uncertain Significance.

Fulgent Genetics
Classification: Uncertain significance for Occipital pachygyria and polymicrogyria. Last evaluated: 2022-03-16. Review status: criteria provided, single submitter. Criteria: ACMG Guidelines, 2015. Collection method: clinical testing. Allele origin: unknown.

NM_006059.4(LAMC3):c.4093G>A (p.Val1365Ile)

Gene: LAMC3 (laminin subunit gamma 3; plus strand). Cytogenetic location: 9q34.12.
Variant type: single nucleotide variant.
Coding change: c.4093G>A on transcript NM_006059.4 (MANE Select); coding-DNA position 4093, G replaced by A.
Protein change: p.Val1365Ile; replaces valine 1365 with isoleucine.
Molecular consequence: missense variant.
Genome position (GRCh38, 1-based): chr9:131,085,586, G>A. VCF-style: chr9-131085586-G-A. GRCh37 (hg19) VCF-style: chr9-133960973-G-A.
Other names: c.4093G>A (NM_006059.3); short protein forms V1365I.
Identifiers: ClinVar variation 1371107 (VCV001371107.7), dbSNP rs148481163, ClinGen allele CA5288052.